The following is an entry in ClinVar:

ClinVar aggregate classification (germline): Uncertain significance (1 of 4 stars; one submission).

Conditions:
Spastic paraplegia-severe developmental delay-epilepsy syndrome. Also called: Spastic paraplegia and psychomotor retardation with or without seizures. Identifiers: Orphanet 464282, MedGen C4225215, MONDO:0014764, OMIM 616756.

Submission:

Neuberg Centre For Genomic Medicine, NCGM
Classification: Uncertain significance for Spastic paraplegia-severe developmental delay-epilepsy syndrome. Review status: criteria provided, single submitter. Criteria: ACMG Guidelines, 2015. Collection method: clinical testing. Allele origin: germline. Affected: yes.
Comment: The missense variant p.L117S in HACE1 (NM_020771.3) has not been reported previously as a pathogenic variant nor asa benign variant, to our knowledge.The p.L117S variant is novel (not in any individuals) in gnomAD Exomes and is novel (not in any individuals) in 1000Genomes.There is a large physicochemical difference between leucine and serine, which is likely to impact secondary proteinstructure as these residues differ in polarity, charge, size and/or other properties.The p.L117S missense variant is predicted to be damaging by both SIFT and PolyPhen2.The leucine residue at codon 117 of HACE1 is conserved in all mammalian species.The nucleotide c.350 in HACE1 is predicted conserved by GERP++ and PhyloP across 100 vertebrates.For these reasons, this variant has been classified as Uncertain Significance.

NM_020771.4(HACE1):c.350T>C (p.Leu117Ser)

Gene: HACE1 (HECT domain and ankyrin repeat containing E3 ubiquitin protein ligase 1; minus strand). Cytogenetic location: 6q16.3.
Variant type: single nucleotide variant.
Coding change: c.350T>C on transcript NM_020771.4 (MANE Select); coding-DNA position 350, T replaced by C.
Protein change: p.Leu117Ser; replaces leucine 117 with serine.
Molecular consequence: missense variant. On other transcripts: 5 prime UTR variant (3), non-coding transcript variant (6), intron variant (4).
Genome position (GRCh38, 1-based): chr6:104,843,275, A>G on the plus strand (T>C on the coding strand, the complement: HACE1 is on the minus strand). VCF-style: chr6-104843275-A-G. GRCh37 (hg19) VCF-style: chr6-105291150-A-G.
Other names: c.350T>C, p.Leu117Ser (NM_001321080.2); c.248T>C, p.Leu83Ser (NM_001321083.2, NM_001350554.2); c.-72T>C (NM_001321084.2, NM_001350558.2); c.-18T>C (NM_001350559.2); c.326+5867T>C (NM_001350555.2); c.-250+5867T>C (NM_001350560.2); c.-20+5867T>C (NM_001350557.2); c.-85+5867T>C (NM_001350556.2); short protein forms L117S, L83S.
Identifiers: ClinVar variation 1878618 (VCV001878618.1), dbSNP rs2483905900, ClinGen allele CA365136953.